The following is an entry in ClinVar:

NM_016333.4(SRRM2):c.3410G>T (p.Arg1137Met)

Gene: SRRM2 (serine/arginine repetitive matrix 2; plus strand). Cytogenetic location: 16p13.3.
Variant type: single nucleotide variant.
Coding change: c.3410G>T on transcript NM_016333.4 (MANE Select); coding-DNA position 3410, G replaced by T.
Protein change: p.Arg1137Met; replaces arginine 1137 with methionine.
Molecular consequence: missense variant.
Genome position (GRCh38, 1-based): chr16:2,763,938, G>T. VCF-style: chr16-2763938-G-T. GRCh37 (hg19) VCF-style: chr16-2813939-G-T.
Other names: short protein forms R1137M.
Identifiers: ClinVar variation 5001157 (VCV005001157.1).
Genomic context (GRCh38, chr16:2,763,938, plus strand): 5'-ATAGAGGTGAGTTCTCAGCGAGTCCTATGTTGAAATCTGGAATGTCTCCTGAGCAGAGCA[G>T]GTTCCAGTCTGACTCTTCTTCATATCCTACAGTGGACTCGAATTCTCTCTTGGGGCAGAG-3'
Protein context (NP_057417.3, residues 1127-1147): LKSGMSPEQS[Arg1137Met]FQSDSSSYPT

ClinVar aggregate classification (germline): Uncertain significance (1 of 4 stars; one submission).

Conditions:
SRRM2-related disorder. Also called: SRRM2-related condition.

gnomAD v4.1: 1 of 1,614,206 alleles (0.000062%); highest among the groups gnomAD compares: South Asian, 0.0011%; no homozygotes.

Submission:

PreventionGenetics, part of Exact Sciences
Classification: Uncertain significance for SRRM2-related condition. Last evaluated: 2025-06-10. Review status: criteria provided, single submitter. Criteria: ACMG Guidelines, 2015. Collection method: clinical testing. Allele origin: germline.
Comment: The SRRM2 c.3410G>T variant is predicted to result in the amino acid substitution p.Arg1137Met. To our knowledge, this variant has not been reported in the literature or in a large population database (gnomAD), indicating this variant is rare. At this time, the clinical significance of this variant is uncertain due to the absence of conclusive functional and genetic evidence.